The following is an entry in ClinVar:

NM_002439.5(MSH3):c.1171G>T (p.Val391Leu)

Gene: MSH3 (mutS homolog 3; plus strand). Cytogenetic location: 5q14.1.
Variant type: single nucleotide variant.
Coding change: c.1171G>T on transcript NM_002439.5 (MANE Select); coding-DNA position 1171, G replaced by T.
Protein change: p.Val391Leu; replaces valine 391 with leucine.
Molecular consequence: missense variant.
Genome position (GRCh38, 1-based): chr5:80,675,126, G>T. VCF-style: chr5-80675126-G-T. GRCh37 (hg19) VCF-style: chr5-79970945-G-T.
Other names: short protein forms V391L.
Identifiers: ClinVar variation 1005693 (VCV001005693.11), dbSNP rs1749812350, ClinGen allele CA360268420.

ClinVar aggregate classification (germline): Uncertain significance. Review status: criteria provided, multiple submitters, no conflicts (2 of 4 stars). 2 submissions from 2 submitters: Uncertain significance (2). Last evaluated 2022-02-13.

Conditions:
Hereditary cancer-predisposing syndrome. Also called: Hereditary neoplastic syndrome; Neoplastic Syndromes, Hereditary; Tumor predisposition; Hereditary Cancer Syndrome. Identifiers: Orphanet 140162, MedGen C0027672, MeSH D009386, MONDO:0015356.

Submissions (2):

Ambry Genetics
Classification: Uncertain significance for Hereditary cancer-predisposing syndrome. Last evaluated: 2022-02-13. Review status: criteria provided, single submitter. Criteria: Ambry Variant Classification Scheme 2023. Collection method: clinical testing. Allele origin: germline.
Comment: The p.V391L variant (also known as c.1171G>T), located in coding exon 7 of the MSH3 gene, results from a G to T substitution at nucleotide position 1171. The valine at codon 391 is replaced by leucine, an amino acid with highly similar properties. This amino acid position is conserved. In addition, this alteration is predicted to be deleterious by in silico analysis. Since supporting evidence is limited at this time, the clinical significance of this alteration remains unclear.

Labcorp Genetics (formerly Invitae), Labcorp
Classification: Uncertain significance. Last evaluated: 2020-03-05. Review status: criteria provided, single submitter. Criteria: Invitae Variant Classification Sherloc (09022015). Collection method: clinical testing. Allele origin: germline.
Comment: Algorithms developed to predict the effect of missense changes on protein structure and function are either unavailable or do not agree on the potential impact of this missense change (SIFT: "Deleterious"; PolyPhen-2: "Benign"; Align-GVGD: "Class C0"). In summary, the available evidence is currently insufficient to determine the role of this variant in disease. Therefore, it has been classified as a Variant of Uncertain Significance. This variant has not been reported in the literature in individuals with MSH3-related conditions. This sequence change replaces valine with leucine at codon 391 of the MSH3 protein (p.Val391Leu). The valine residue is highly conserved and there is a small physicochemical difference between valine and leucine. This variant is not present in population databases (ExAC no frequency).